The following is an entry in ClinVar:

ClinVar aggregate classification (germline): Likely benign. Review status: criteria provided, multiple submitters, no conflicts (2 of 4 stars). 4 submissions from 4 submitters: Likely benign (4). Last evaluated 2026-01-15.

Conditions:
Primary ciliary dyskinesia. Also called: Ciliary dyskinesia. Identifiers: Orphanet 244, MedGen C0008780, MONDO:0016575, HP:0012265.

Allele frequency attached by ClinVar (database versions not stated): gnomAD exomes 0.00003 and 0.00009; ExAC 0.00010; gnomAD 0.00022 and 0.00023; ESP Exome Variant Server 0.00023; TOPMed 0.00036; 1000 Genomes Project 0.00060; 1000 Genomes Project 30x 0.00078.
gnomAD v4.1: 82 of 1,614,150 alleles (0.0051%); highest among the groups gnomAD compares: African/African-American, 0.1%; no homozygotes.

Submissions (4):

Labcorp Genetics (formerly Invitae), Labcorp
Classification: Likely benign for Primary ciliary dyskinesia. Last evaluated: 2026-01-15. Review status: criteria provided, single submitter. Criteria: Invitae Variant Classification Sherloc (09022015). Collection method: clinical testing. Allele origin: germline.

Blueprint Genetics
Classification: Likely benign. Last evaluated: 2022-10-11. Review status: criteria provided, single submitter. Criteria: ACMG Guidelines, 2015. Collection method: clinical testing. Allele origin: germline.

Ambry Genetics
Classification: Likely benign for Primary ciliary dyskinesia. Last evaluated: 2019-10-23. Review status: criteria provided, single submitter. Criteria: Ambry Variant Classification Scheme 2023. Collection method: clinical testing. Allele origin: germline.

Laboratory for Molecular Medicine, Mass General Brigham Personalized Medicine
Classification: Likely benign. Last evaluated: 2013-02-21. Review status: criteria provided, single submitter. Criteria: LMM Criteria. Collection method: clinical testing. Allele origin: germline. Observed: 1 variant allele.
Comment: Gln415Gln in exon 3 of RSPH4A: This variant is not expected to have clinical sig nificance because it does not alter an amino acid residue and is not located wit hin the splice consensus sequence. It has been identified in 0.1% (3/4406) of Af rican American chromosomes from a broad population by the NHLBI Exome Sequencing Project (dbSNP rs139726443).

NM_001010892.3(RSPH4A):c.1245G>A (p.Gln415=)

Gene: RSPH4A (radial spoke head component 4A; plus strand). Cytogenetic location: 6q22.1.
Variant type: single nucleotide variant.
Coding change: c.1245G>A on transcript NM_001010892.3 (MANE Select); coding-DNA position 1245, G replaced by A.
Protein change: p.Gln415=; no amino-acid change (glutamine 415 retained).
Molecular consequence: synonymous variant.
Genome position (GRCh38, 1-based): chr6:116,627,952, G>A. VCF-style: chr6-116627952-G-A. GRCh37 (hg19) VCF-style: chr6-116949115-G-A.
Other names: c.1245G>A, p.Gln415= (NM_001161664.2).
Identifiers: ClinVar variation 178800 (VCV000178800.17), dbSNP rs139726443, ClinGen allele CA183060.